The following is an entry in ClinVar:

ClinVar aggregate classification (germline): Benign (3 of 4 stars; one submission).

Conditions:
Breast-ovarian cancer, familial, susceptibility to, 1 (BROVCA1). Also called: BRCA1 Hereditary Breast and Ovarian Cancer; OVARIAN CANCER, SUSCEPTIBILITY TO. Identifiers: Orphanet 145, MedGen C2676676, MONDO:0011450, OMIM 604370. Disease mechanism: loss of function.

Allele frequency attached by ClinVar (database versions not stated): 1000 Genomes Project 0.00359; 1000 Genomes Project 30x 0.00422; gnomAD 0.00955 and 0.00973.
gnomAD v4.1: 1,220 of 128,978 alleles (0.95%); highest among the groups gnomAD compares: Middle Eastern, 2.3%; 6 homozygotes.

Submission:

Evidence-based Network for the Interpretation of Germline Mutant Alleles (ENIGMA)
Classification: Benign for Breast-ovarian cancer, familial, susceptibility to, 1. Last evaluated: 2016-09-28. Review status: reviewed by expert panel. Criteria: ENIGMA BRCA1/2 Classification Criteria (2015). Collection method: curation. Allele origin: germline.
Comment: Class 1 not pathogenic based on frequency >1% in an outbred sampleset. Frequency 0.0119 (European), derived from 1000 genomes (2013-05-02).

NM_007294.4(BRCA1):c.135-563C>T

Gene: BRCA1 (BRCA1 DNA repair associated; minus strand). Cytogenetic location: 17q21.31.
Variant type: single nucleotide variant.
Coding change: c.135-563C>T on transcript NM_007294.4 (MANE Select); 563 bases into the intron before coding-DNA position 135, C replaced by T.
Molecular consequence: intron variant.
Genome position (GRCh38, 1-based): chr17:43,107,096, G>A on the plus strand (C>T on the coding strand, the complement: BRCA1 is on the minus strand). VCF-style: chr17-43107096-G-A. GRCh37 (hg19) VCF-style: chr17-41259113-G-A.
Other names: c.135-563C>T (NM_001407941.1, NM_001407673.1, NM_001408400.1 and 167 more transcripts); c.-7-563C>T (NM_001407724.1, NM_001407697.1, NM_001407838.1 and 99 more transcripts); c.135-2140C>T (NM_001408415.1, NM_001408475.1, NM_001407875.1 and 21 more transcripts); c.-54-563C>T (NM_001408483.1, NM_001407885.1, NM_001407886.1 and 58 more transcripts); c.-218-12236C>T (NM_001407967.1, NM_001407966.1); c.-169-2140C>T (NM_001407959.1, NM_001407962.1, NM_001408512.1 and 4 more transcripts); c.81-2140C>T (NM_001408451.1).
Identifiers: ClinVar variation 264811 (VCV000264811.2), dbSNP rs575589035, ClinGen allele CA10588241.